The following is an entry in ClinVar:

ClinVar aggregate classification (germline): Benign/Likely benign. Review status: criteria provided, multiple submitters, no conflicts (2 of 4 stars). 20 submissions from 19 submitters: Benign (17); Likely benign (3). Last evaluated 2026-05-01.

Conditions:
Hereditary cancer-predisposing syndrome. Also called: Tumor predisposition; Hereditary neoplastic syndrome; Hereditary Cancer Syndrome; Neoplastic Syndromes, Hereditary. Identifiers: Orphanet 140162, MedGen C0027672, MeSH D009386, MONDO:0015356.
Tuberous sclerosis syndrome (TSC). Also called: Tuberous Sclerosis Complex; Tuberous sclerosis. Identifiers: Orphanet 805, MedGen C0041341, MONDO:0001734.
Isolated focal cortical dysplasia type II (FCORD2). Also called: Focal cortical dysplasia type II; CORTICAL DYSPLASIA OF TAYLOR. Identifiers: Orphanet 268994, MedGen C1846385, MONDO:0011818, OMIM 607341, HP:0032051.
Tuberous sclerosis 1 (TSC1). Identifiers: Orphanet 805, MedGen C1854465, MONDO:0008612, OMIM 191100.

Allele frequency attached by ClinVar (database versions not stated): gnomAD exomes 0.00047; ExAC 0.00048; gnomAD 0.00147 and 0.00155; TOPMed 0.00172; ESP Exome Variant Server 0.00185; 1000 Genomes Project 0.00200; 1000 Genomes Project 30x 0.00203.

Submissions (20):

CeGaT Center for Human Genetics Tuebingen
Classification: Likely benign. Last evaluated: 2026-05-01. Review status: criteria provided, single submitter. Criteria: CeGaT Center For Human Genetics Tuebingen Variant Classification Criteria Version 2. Collection method: clinical testing. Allele origin: germline. Affected: yes. Observed: 8 variant alleles.
Comment: TSC1: BP4, BP7, BS1

Labcorp Genetics (formerly Invitae), Labcorp
Classification: Benign for Tuberous sclerosis 1. Last evaluated: 2026-02-04. Review status: criteria provided, single submitter. Criteria: Invitae Variant Classification Sherloc (09022015). Collection method: clinical testing. Allele origin: germline.

Myriad Genetics, Inc.
Classification: Benign for Tuberous sclerosis 1. Last evaluated: 2025-04-10. Review status: criteria provided, single submitter. Criteria: Myriad Autosomal Dominant, Autosomal Recessive and X-Linked Classification Criteria (2023). Collection method: clinical testing. Allele origin: unknown.
Comment: This variant is considered benign. This variant is a silent/synonymous amino acid change and it is not expected to impact splicing.

Mayo Clinic Laboratories, Mayo Clinic
Classification: Benign. Last evaluated: 2025-01-20. Review status: criteria provided, single submitter. Criteria: ACMG Guidelines, 2015. Collection method: clinical testing. Allele origin: germline. Observed: 2 variant alleles.
Comment: BA1

Blueprint Genetics
Classification: Likely benign. Last evaluated: 2024-11-05. Review status: criteria provided, single submitter. Criteria: ACMG Guidelines, 2015. Collection method: clinical testing. Allele origin: germline.

All of Us Research Program, National Institutes of Health
Classification: Benign for Tuberous sclerosis syndrome. Last evaluated: 2024-02-05. Review status: criteria provided, single submitter. Criteria: ACMG Guidelines, 2015. Collection method: clinical testing. Allele origin: germline. Inheritance: Autosomal dominant inheritance. Observed: 112 variant alleles, 112 heterozygotes.
Comment: This study involves interpretation of variants in research participants for the purpose of population health screening. Participant phenotype was not available at the time of variant classification. Additional details can be found in publication PMID: 35346344, PMCID: PMC8962531

KCCC/NGS Laboratory, Kuwait Cancer Control Center
Classification: Benign for Tuberous sclerosis 1. Last evaluated: 2023-07-07. Review status: criteria provided, single submitter. Criteria: ACMG Guidelines, 2015. Collection method: clinical testing. Allele origin: germline. Affected: yes.

Color Diagnostics, LLC DBA Color Health
Classification: Benign for Tuberous sclerosis syndrome. Last evaluated: 2022-09-20. Review status: criteria provided, single submitter. Criteria: ACMG Guidelines, 2015. Collection method: clinical testing. Allele origin: germline.

Genome-Nilou Lab
Classification: Benign for Tuberous sclerosis 1. Last evaluated: 2021-11-07. Review status: criteria provided, single submitter. Criteria: ACMG Guidelines, 2015. Collection method: clinical testing. Allele origin: germline. Affected: no.

Women's Health and Genetics/Laboratory Corporation of America, LabCorp
Classification: Benign. Last evaluated: 2021-01-15. Review status: criteria provided, single submitter. Criteria: LabCorp Variant Classification Summary - May 2015. Collection method: clinical testing. Allele origin: germline.

Sema4
Classification: Benign for Hereditary cancer-predisposing syndrome. Last evaluated: 2020-10-20. Review status: criteria provided, single submitter. Criteria: Sema4 Curation Guidelines. Collection method: curation. Allele origin: germline.

Athena Diagnostics
Classification: Benign. Last evaluated: 2018-08-22. Review status: criteria provided, single submitter. Criteria: Athena Diagnostics Criteria. Collection method: clinical testing. Allele origin: germline.

Quest Diagnostics Nichols Institute San Juan Capistrano
Classification: Benign. Last evaluated: 2018-08-22. Review status: criteria provided, single submitter. Criteria: Quest Diagnostics criteria. Collection method: clinical testing. Allele origin: unknown.

Illumina Laboratory Services, Illumina
Classification: Benign for Tuberous sclerosis 1. Last evaluated: 2018-01-13. Review status: criteria provided, single submitter. Criteria: ICSL Variant Classification Criteria 13 December 2019. Collection method: clinical testing. Allele origin: germline.
Comment: This variant was observed in the ICSL laboratory as part of a predisposition screen in an ostensibly healthy population. It had not been previously curated by ICSL or reported in the Human Gene Mutation Database (HGMD: prior to June 1st, 2018), and was therefore a candidate for classification through an automated scoring system. Utilizing variant allele frequency, disease prevalence and penetrance estimates, and inheritance mode, an automated score was calculated to assess if this variant is too frequent to cause the disease. Based on the score and internal cut-off values, a variant classified as benign is not then subjected to further curation. The score for this variant resulted in a classification of benign for this disease.

Illumina Laboratory Services, Illumina
Classification: Benign for Isolated focal cortical dysplasia type II. Last evaluated: 2018-01-13. Review status: criteria provided, single submitter. Criteria: ICSL Variant Classification Criteria 13 December 2019. Collection method: clinical testing. Allele origin: germline.
Comment: the same text as in the submission from Illumina Laboratory Services, Illumina above.

Genetic Services Laboratory, University of Chicago
Classification: Benign. Last evaluated: 2017-10-30. Review status: criteria provided, single submitter. Criteria: ACMG Guidelines, 2015. Collection method: clinical testing. Allele origin: germline. Affected: no.

Ambry Genetics
Classification: Likely benign for Hereditary cancer-predisposing syndrome. Last evaluated: 2014-12-12. Review status: criteria provided, single submitter. Criteria: Ambry Variant Classification Scheme 2023. Collection method: clinical testing. Allele origin: germline.

Eurofins Ntd Llc (ga)
Classification: Benign. Last evaluated: 2014-11-25. Review status: criteria provided, single submitter. Criteria: EGL Classification Definitions 2015. Collection method: clinical testing. Allele origin: germline. Observed: 1 variant allele, 1 heterozygote.

GeneDx
Classification: Benign. Last evaluated: 2013-10-01. Review status: criteria provided, single submitter. Criteria: GeneDx Variant Classification (06012015). Collection method: clinical testing. Allele origin: germline. Affected: yes.
Comment: This variant is considered likely benign or benign based on one or more of the following criteria: it is a conservative change, it occurs at a poorly conserved position in the protein, it is predicted to be benign by multiple in silico algorithms, and/or has population frequency not consistent with disease.

PreventionGenetics, part of Exact Sciences
Classification: Benign. Review status: criteria provided, single submitter. Criteria: ACMG Guidelines, 2015. Collection method: clinical testing. Allele origin: germline.

NM_000368.5(TSC1):c.1701G>A (p.Ala567=)

Gene: TSC1 (TSC complex subunit 1; minus strand). Cytogenetic location: 9q34.13.
Variant type: single nucleotide variant.
Coding change: c.1701G>A on transcript NM_000368.5 (MANE Select); coding-DNA position 1701, G replaced by A.
Protein change: p.Ala567=; no amino-acid change (alanine 567 retained).
Molecular consequence: synonymous variant.
Genome position (GRCh38, 1-based): chr9:132,905,877, C>T on the plus strand (G>A on the coding strand, the complement: TSC1 is on the minus strand). VCF-style: chr9-132905877-C-T. GRCh37 (hg19) VCF-style: chr9-135781264-C-T.
Other names: p.A567A:GCG>GCA; p.Ala567=; c.1698G>A, p.Ala566= (NM_001162426.2); c.1548G>A, p.Ala516= (NM_001162427.2); c.1338G>A, p.Ala446= (NM_001362177.2).
Identifiers: ClinVar variation 137730 (VCV000137730.62), dbSNP rs35478675, ClinGen allele CA005237.